The following is an entry in ClinVar:

NM_014141.6(CNTNAP2):c.3758T>C (p.Ile1253Thr)

Gene: CNTNAP2 (contactin associated protein 2; plus strand). Cytogenetic location: 7q36.1.
Variant type: single nucleotide variant.
Coding change: c.3758T>C on transcript NM_014141.6 (MANE Select); coding-DNA position 3758, T replaced by C.
Protein change: p.Ile1253Thr; replaces isoleucine 1253 with threonine.
Molecular consequence: missense variant.
Genome position (GRCh38, 1-based): chr7:148,409,433, T>C. VCF-style: chr7-148409433-T-C. GRCh37 (hg19) VCF-style: chr7-148106525-T-C.
Other names: p.I1253T:ATA>ACA; short protein forms I1253T.
Identifiers: ClinVar variation 205319 (VCV000205319.29), dbSNP rs767821521, ClinGen allele CA314271.

ClinVar aggregate classification (germline): Conflicting classifications of pathogenicity. Review status: criteria provided, conflicting classifications (1 of 4 stars). 10 submissions from 10 submitters: Uncertain significance (6); Likely benign (4). Last evaluated 2026-06-25.

Conditions:
CNTNAP2-related disorder. Also called: CNTNAP2-related condition.
Inborn genetic diseases. Identifiers: MedGen C0950123, MeSH D030342.
Autism, susceptibility to, 15. Also called: Autism susceptibility 15. Identifiers: MedGen C2677504, MONDO:0012801, OMIM 612100.
Cortical dysplasia-focal epilepsy syndrome (PTHSL1). Also called: Pitt-Hopkins-like syndrome 1. Identifiers: Orphanet 163681, Orphanet 221150, MedGen C2750246, MONDO:0012400, OMIM 610042.

Allele frequency attached by ClinVar (database versions not stated): gnomAD exomes 0.00006 and 0.00021; ExAC 0.00012; gnomAD 0.00031 and 0.00033; TOPMed 0.00080.
gnomAD v4.1: 141 of 1,613,826 alleles (0.0087%); highest among the groups gnomAD compares: Admixed American, 0.2%; 2 homozygotes.

Submissions (10):

Women's Health and Genetics/Laboratory Corporation of America, LabCorp
Classification: Likely benign. Last evaluated: 2026-06-25. Review status: criteria provided, single submitter. Criteria: LabCorp Variant Classification Summary - May 2015. Collection method: clinical testing. Allele origin: germline.
Comment: Variant summary: CNTNAP2 c.3758T>C (p.Ile1253Thr) results in a non-conservative amino acid change in the encoded protein sequence. Algorithms developed to predict the effect of missense changes on protein structure and function are either unavailable or do not agree on the potential impact of this missense change. The variant allele was found at a frequency of 0.00021 in 251416 control chromosomes, predominantly at a frequency of 0.0014 within the Latino subpopulation in the gnomAD database. The observed variant frequency within Latino control individuals in the gnomAD database exceeds the estimated maximal expected allele frequency for disease-causing variants in CNTNAP2. c.3758T>C has been reported in the literature in individuals affected with Autism but has not segregated with disease (Bakkaloglu_2008) . These report(s) do not provide unequivocal conclusions about association of the variant with Autism, Susceptibility To, 15. These report(s) do not provide unequivocal conclusions about association of the variant with disease. At least one publication reports experimental evidence evaluating an impact on protein function, however, does not allow convincing conclusions about the variant effect (Zhang_2024). The following publications have been ascertained in the context of this evaluation (PMID: 18179895, 38424048). ClinVar contains an entry for this variant (Variation ID: 205319). Based on the evidence outlined above, the variant was classified as likely benign.

PreventionGenetics, part of Exact Sciences
Classification: Likely benign for CNTNAP2-related condition. Last evaluated: 2026-04-09. Review status: criteria provided, single submitter. Criteria: ACMG Guidelines, 2015. Collection method: clinical testing. Allele origin: germline.
Comment: This variant is classified as likely benign based on ACMG/AMP sequence variant interpretation guidelines (Richards et al. 2015 PMID: 25741868, with internal and published modifications).

Blueprint Genetics
Classification: Uncertain significance. Last evaluated: 2024-11-27. Review status: criteria provided, single submitter. Criteria: ACMG Guidelines, 2015. Collection method: clinical testing. Allele origin: germline.

Labcorp Genetics (formerly Invitae), Labcorp
Classification: Uncertain significance for Cortical dysplasia-focal epilepsy syndrome. Last evaluated: 2024-01-24. Review status: criteria provided, single submitter. Criteria: Invitae Variant Classification Sherloc (09022015). Collection method: clinical testing. Allele origin: germline.
Comment: This sequence change replaces isoleucine, which is neutral and non-polar, with threonine, which is neutral and polar, at codon 1253 of the CNTNAP2 protein (p.Ile1253Thr). This variant is present in population databases (rs767821521, gnomAD 0.1%). This missense change has been observed in individual(s) with autism spectrum disorders and/or clinical features of Pitt-Hopkins-like syndrome (PMID: 18179895; Invitae). ClinVar contains an entry for this variant (Variation ID: 205319). An algorithm developed to predict the effect of missense changes on protein structure and function (PolyPhen-2) suggests that this variant¬†is likely to be tolerated. Experimental studies have shown that this missense change does not substantially affect CNTNAP2 function (PMID: 22872700). In summary, the available evidence is currently insufficient to determine the role of this variant in disease. Therefore, it has been classified as a Variant of Uncertain Significance.

Ambry Genetics
Classification: Likely benign for Inborn genetic diseases. Last evaluated: 2022-10-18. Review status: criteria provided, single submitter. Criteria: Ambry Variant Classification Scheme 2023. Collection method: clinical testing. Allele origin: germline.

GeneDx
Classification: Uncertain significance. Last evaluated: 2021-02-08. Review status: criteria provided, single submitter. Criteria: GeneDx Variant Classification Process June 2021. Collection method: clinical testing. Allele origin: germline. Affected: yes.
Comment: In silico analysis, which includes protein predictors and evolutionary conservation, supports that this variant does not alter protein structure/function; This variant is associated with the following publications: (PMID: 18179895, 22365836, 23714751, 22872700)

Baylor Genetics
Classification: Uncertain significance for Cortical dysplasia-focal epilepsy syndrome. Last evaluated: 2019-08-23. Review status: criteria provided, single submitter. Criteria: ACMG Guidelines, 2015. Collection method: clinical testing. Allele origin: unknown. Affected: yes.
Comment: This variant was determined to be of uncertain significance according to ACMG Guidelines, 2015 [PMID:25741868].

Athena Diagnostics
Classification: Likely benign. Last evaluated: 2019-01-23. Review status: criteria provided, single submitter. Criteria: Athena Diagnostics Criteria. Collection method: clinical testing. Allele origin: germline.

Fulgent Genetics
Classification: Uncertain significance for Cortical dysplasia-focal epilepsy syndrome; Autism, susceptibility to, 15. Last evaluated: 2017-05-23. Review status: criteria provided, single submitter. Criteria: ACMG Guidelines, 2015. Collection method: clinical testing. Allele origin: unknown.

Genetic Services Laboratory, University of Chicago
Classification: Uncertain significance. Last evaluated: 2014-09-17. Review status: criteria provided, single submitter. Criteria: ACMG Guidelines, 2015. Collection method: clinical testing. Allele origin: germline.

Literature cited by the submitters: PubMed 18179895 (cited by 3 submitters); PubMed 38424048 (cited by Women's Health and Genetics/Laboratory Corporation of America, LabCorp); PubMed 22872700 (cited by 3 submitters).